The following is an entry in ClinVar:

NM_005993.5(TBCD):c.1044C>T (p.Asp348=)

Gene: TBCD (tubulin folding cofactor D). Cytogenetic location: 17q25.3.
Variant type: single nucleotide variant.
Coding change: c.1044C>T on transcript NM_005993.5 (MANE Select); coding-DNA position 1044, C replaced by T.
Protein change: p.Asp348=; no amino-acid change (aspartic acid 348 retained).
Molecular consequence: synonymous variant.
Genome position (GRCh38, 1-based): chr17:82,805,968, C>T. VCF-style: chr17-82805968-C-T. GRCh37 (hg19) VCF-style: chr17-80763844-C-T.
Other names: p.Asp348=.
Identifiers: ClinVar variation 715464 (VCV000715464.37), dbSNP rs200560397, ClinGen allele CA8861855.

ClinVar aggregate classification (germline): Benign/Likely benign. Review status: criteria provided, multiple submitters, no conflicts (2 of 4 stars). 6 submissions from 6 submitters: Benign (3); Likely benign (2). 1 of the submissions does not count toward it. Last evaluated 2026-01-26.

Conditions:
TBCD-related disorder. Also called: TBCD-related condition.

Allele frequency attached by ClinVar (database versions not stated): 1000 Genomes Project 0.00040; TOPMed 0.00106; ESP Exome Variant Server 0.00111; gnomAD 0.00126 and 0.00127; gnomAD exomes 0.00157 and 0.00163; ExAC 0.00195.
gnomAD v4.1: 2,440 of 1,613,460 alleles (0.15%); highest among the groups gnomAD compares: South Asian, 0.25%; 7 homozygotes.

Submissions (6):

Labcorp Genetics (formerly Invitae), Labcorp
Classification: Benign. Last evaluated: 2026-01-26. Review status: criteria provided, single submitter. Criteria: Invitae Variant Classification Sherloc (09022015). Collection method: clinical testing. Allele origin: germline.

CeGaT Center for Human Genetics Tuebingen
Classification: Likely benign. Last evaluated: 2025-06-01. Review status: criteria provided, single submitter. Criteria: CeGaT Center For Human Genetics Tuebingen Variant Classification Criteria Version 2. Collection method: clinical testing. Allele origin: germline. Affected: yes. Observed: 4 variant alleles.
Comment: TBCD: BP4, BP7

Mayo Clinic Laboratories, Mayo Clinic
Classification: Benign. Last evaluated: 2025-02-06. Review status: criteria provided, single submitter. Criteria: ACMG Guidelines, 2015. Collection method: clinical testing. Allele origin: germline. Observed: 1 variant allele.
Comment: BS1, BS2, BP4, BP7

Blueprint Genetics
Classification: Likely benign. Last evaluated: 2024-11-13. Review status: criteria provided, single submitter. Criteria: ACMG Guidelines, 2015. Collection method: clinical testing. Allele origin: germline.

Breakthrough Genomics
Classification: Benign. Review status: criteria provided, single submitter. Criteria: ACMG Guidelines, 2015. Collection method: not provided. Allele origin: germline. Inheritance: Autosomal recessive inheritance. Affected: yes.

PreventionGenetics, part of Exact Sciences
Classification: Likely benign for TBCD-related condition. Last evaluated: 2019-09-25. Review status: no assertion criteria provided. Collection method: clinical testing. Allele origin: germline. Not counted in ClinVar's aggregate classification.
Comment: This variant is classified as likely benign based on ACMG/AMP sequence variant interpretation guidelines (Richards et al. 2015 PMID: 25741868, with internal and published modifications).